The following is an entry in ClinVar:

ClinVar aggregate classification (germline): Uncertain significance (1 of 4 stars; one submission).

Conditions:
Severe combined immunodeficiency, autosomal recessive, T cell-negative, B cell-negative, NK cell-positive. Also called: SCID, T CELL-NEGATIVE, B CELL-NEGATIVE, NK CELL-POSITIVE; Severe combined immunodeficiency due to complete RAG1/2 deficiency; SCID, AR, T-cell negative, B-cell negative, NK cell-positive. Identifiers: Orphanet 331206, MedGen C1832322, MONDO:0011086, OMIM 601457.
Combined immunodeficiency with skin granulomas. Identifiers: Orphanet 157949, MedGen C2673536, MONDO:0009306, OMIM 233650.

Submission:

Labcorp Genetics (formerly Invitae), Labcorp
Classification: Uncertain significance for Combined immunodeficiency with skin granulomas; Severe combined immunodeficiency, autosomal recessive, T cell-negative, B cell-negative, NK cell-positive. Last evaluated: 2022-06-22. Review status: criteria provided, single submitter. Criteria: Invitae Variant Classification Sherloc (09022015). Collection method: clinical testing. Allele origin: germline.
Comment: This variant is not present in population databases (gnomAD no frequency). This sequence change replaces proline, which is neutral and non-polar, with arginine, which is basic and polar, at codon 552 of the RAG1 protein (p.Pro552Arg). This variant has not been reported in the literature in individuals affected with RAG1-related conditions. In summary, the available evidence is currently insufficient to determine the role of this variant in disease. Therefore, it has been classified as a Variant of Uncertain Significance. Advanced modeling of protein sequence and biophysical properties (such as structural, functional, and spatial information, amino acid conservation, physicochemical variation, residue mobility, and thermodynamic stability) performed at Invitae indicates that this missense variant is expected to disrupt RAG1 protein function.

NM_000448.3(RAG1):c.1655C>G (p.Pro552Arg)

Gene: RAG1 (recombination activating 1; plus strand). Cytogenetic location: 11p12.
Variant type: single nucleotide variant.
Coding change: c.1655C>G on transcript NM_000448.3 (MANE Select); coding-DNA position 1655, C replaced by G.
Protein change: p.Pro552Arg; replaces proline 552 with arginine.
Molecular consequence: missense variant.
Genome position (GRCh38, 1-based): chr11:36,574,959, C>G. VCF-style: chr11-36574959-C-G. GRCh37 (hg19) VCF-style: chr11-36596509-C-G.
Other names: c.1655C>G, p.Pro552Arg (NM_001377277.1, NM_001377278.1, NM_001377279.1 and 1 more transcripts); short protein forms P552R.
Identifiers: ClinVar variation 1998020 (VCV001998020.4), dbSNP rs2494757040, ClinGen allele CA380152999.